The following is an entry in ClinVar:

ClinVar aggregate classification (germline): Uncertain significance (1 of 4 stars; one submission).

Allele frequency attached by ClinVar (database versions not stated): gnomAD 0.00001; ExAC 0.00002; gnomAD exomes 0.00002; TOPMed 0.00002.

Submission:

Labcorp Genetics (formerly Invitae), Labcorp
Classification: Uncertain significance. Last evaluated: 2023-12-12. Review status: criteria provided, single submitter. Criteria: Invitae Variant Classification Sherloc (09022015). Collection method: clinical testing. Allele origin: germline.
Comment: This sequence change replaces valine, which is neutral and non-polar, with isoleucine, which is neutral and non-polar, at codon 313 of the KRT9 protein (p.Val313Ile). This variant is present in population databases (rs765121444, gnomAD 0.006%). This variant has not been reported in the literature in individuals affected with KRT9-related conditions. Advanced modeling of protein sequence and biophysical properties (such as structural, functional, and spatial information, amino acid conservation, physicochemical variation, residue mobility, and thermodynamic stability) has been performed at Invitae for this missense variant, however the output from this modeling did not meet the statistical confidence thresholds required to predict the impact of this variant on KRT9 protein function. In summary, the available evidence is currently insufficient to determine the role of this variant in disease. Therefore, it has been classified as a Variant of Uncertain Significance.

NM_000226.4(KRT9):c.937G>A (p.Val313Ile)

Gene: KRT9 (keratin 9; minus strand). Cytogenetic location: 17q21.2.
Variant type: single nucleotide variant.
Coding change: c.937G>A on transcript NM_000226.4 (MANE Select); coding-DNA position 937, G replaced by A.
Protein change: p.Val313Ile; replaces valine 313 with isoleucine.
Molecular consequence: missense variant.
Genome position (GRCh38, 1-based): chr17:41,569,533, C>T on the plus strand (G>A on the coding strand, the complement: KRT9 is on the minus strand). VCF-style: chr17-41569533-C-T. GRCh37 (hg19) VCF-style: chr17-39725785-C-T.
Other names: short protein forms V313I.
Identifiers: ClinVar variation 2981819 (VCV002981819.3), dbSNP rs765121444, ClinGen allele CA8562089.